The following is an entry in ClinVar:

ClinVar aggregate classification (germline): Uncertain significance (1 of 4 stars; one submission).

Conditions:
Hypertrophic cardiomyopathy. Also called: HYPERTROPHIC MYOCARDIOPATHY. Identifiers: Orphanet 217569, MedGen C0007194, MeSH D002312, MONDO:0005045, HP:0001639.

Submission:

Labcorp Genetics (formerly Invitae), Labcorp
Classification: Uncertain significance for Hypertrophic cardiomyopathy. Last evaluated: 2023-12-20. Review status: criteria provided, single submitter. Criteria: Invitae Variant Classification Sherloc (09022015). Collection method: clinical testing. Allele origin: germline.
Comment: This sequence change replaces serine, which is neutral and polar, with asparagine, which is neutral and polar, at codon 1065 of the MYH7 protein (p.Ser1065Asn). This variant is not present in population databases (gnomAD no frequency). This variant has not been reported in the literature in individuals affected with MYH7-related conditions. Advanced modeling of protein sequence and biophysical properties (such as structural, functional, and spatial information, amino acid conservation, physicochemical variation, residue mobility, and thermodynamic stability) performed at Invitae indicates that this missense variant is expected to disrupt MYH7 protein function with a positive predictive value of 95%. In summary, the available evidence is currently insufficient to determine the role of this variant in disease. Therefore, it has been classified as a Variant of Uncertain Significance.

NM_000257.4(MYH7):c.3194G>A (p.Ser1065Asn)

Gene: MYH7 (myosin heavy chain 7; minus strand). Cytogenetic location: 14q11.2.
Variant type: single nucleotide variant.
Coding change: c.3194G>A on transcript NM_000257.4 (MANE Select); coding-DNA position 3194, G replaced by A.
Protein change: p.Ser1065Asn; replaces serine 1065 with asparagine.
Molecular consequence: missense variant.
Genome position (GRCh38, 1-based): chr14:23,422,231, C>T on the plus strand (G>A on the coding strand, the complement: MYH7 is on the minus strand). VCF-style: chr14-23422231-C-T. GRCh37 (hg19) VCF-style: chr14-23891440-C-T.
Other names: c.3194G>A, p.Ser1065Asn (NM_001407004.1); short protein forms S1065N.
Identifiers: ClinVar variation 2704375 (VCV002704375.3), dbSNP rs1296163901, ClinGen allele CA389045243.